The following is an entry in ClinVar:

ClinVar aggregate classification (germline): Uncertain significance (1 of 4 stars; one submission).

Submission:

Labcorp Genetics (formerly Invitae), Labcorp
Classification: Uncertain significance. Last evaluated: 2021-11-22. Review status: criteria provided, single submitter. Criteria: Invitae Variant Classification Sherloc (09022015). Collection method: clinical testing. Allele origin: germline.
Comment: This sequence change replaces arginine, which is basic and polar, with glycine, which is neutral and non-polar, at codon 4495 of the USH2A protein (p.Arg4495Gly). This variant is not present in population databases (gnomAD no frequency). This variant has not been reported in the literature in individuals affected with USH2A-related conditions. Algorithms developed to predict the effect of missense changes on protein structure and function (SIFT, PolyPhen-2, Align-GVGD) all suggest that this variant is likely to be tolerated. In summary, the available evidence is currently insufficient to determine the role of this variant in disease. Therefore, it has been classified as a Variant of Uncertain Significance.

NM_206933.4(USH2A):c.13483C>G (p.Arg4495Gly)

Gene: USH2A (usherin; minus strand). Cytogenetic location: 1q41.
Variant type: single nucleotide variant.
Coding change: c.13483C>G on transcript NM_206933.4 (MANE Select); coding-DNA position 13483, C replaced by G.
Protein change: p.Arg4495Gly; replaces arginine 4495 with glycine.
Molecular consequence: missense variant.
Genome position (GRCh38, 1-based): chr1:215,674,428, G>C on the plus strand (C>G on the coding strand, the complement: USH2A is on the minus strand). VCF-style: chr1-215674428-G-C. GRCh37 (hg19) VCF-style: chr1-215847770-G-C.
Other names: short protein forms R4495G.
Identifiers: ClinVar variation 2124932 (VCV002124932.1), dbSNP rs746221227, ClinGen allele CA344845055.